The following is an entry in ClinVar:

NM_000093.5(COL5A1):c.2421G>C (p.Lys807Asn)

Gene: COL5A1 (collagen type V alpha 1 chain; plus strand). Cytogenetic location: 9q34.3.
Variant type: single nucleotide variant.
Coding change: c.2421G>C on transcript NM_000093.5 (MANE Select); coding-DNA position 2421, G replaced by C.
Protein change: p.Lys807Asn; replaces lysine 807 with asparagine.
Molecular consequence: missense variant.
Genome position (GRCh38, 1-based): chr9:134,780,137, G>C. VCF-style: chr9-134780137-G-C. GRCh37 (hg19) VCF-style: chr9-137671983-G-C.
Other names: c.2421G>C, p.Lys807Asn (NM_001278074.1); short protein forms K807N.
Identifiers: ClinVar variation 4232335 (VCV004232335.1).

ClinVar aggregate classification (germline): Uncertain significance (1 of 4 stars; one submission).

Conditions:
Familial thoracic aortic aneurysm and aortic dissection (TAAD). Also called: Thoracic aortic aneurysms and dissections. Identifiers: Orphanet 91387, MedGen C4707243, MONDO:0019625.

Submission:

Ambry Genetics
Classification: Uncertain significance for Familial thoracic aortic aneurysm and aortic dissection. Last evaluated: 2025-08-08. Review status: criteria provided, single submitter. Criteria: Ambry Variant Classification Scheme 2023. Collection method: clinical testing. Allele origin: germline.
Comment: The p.K807N variant (also known as c.2421G>C), located in coding exon 28 of the COL5A1 gene, results from a G to C substitution at nucleotide position 2421. The lysine at codon 807 is replaced by asparagine, an amino acid with similar properties. This amino acid position is highly conserved in available vertebrate species. In addition, the in silico prediction for this alteration is inconclusive. Based on the available evidence, the clinical significance of this variant remains unclear.